The following is an entry in ClinVar:

NM_001905.4(CTPS1):c.137A>G (p.Asp46Gly)

Gene: CTPS1 (CTP synthase 1; plus strand). Cytogenetic location: 1p34.2.
Variant type: single nucleotide variant.
Coding change: c.137A>G on transcript NM_001905.4 (MANE Select); coding-DNA position 137, A replaced by G.
Protein change: p.Asp46Gly; replaces aspartic acid 46 with glycine.
Molecular consequence: missense variant. On other transcripts: non-coding transcript variant (1).
Genome position (GRCh38, 1-based): chr1:40,983,427, A>G. VCF-style: chr1-40983427-A-G. GRCh37 (hg19) VCF-style: chr1-41449099-A-G.
Other names: short protein forms D46G.
Identifiers: ClinVar variation 1481234 (VCV001481234.8), dbSNP rs757447163, ClinGen allele CA795163.

ClinVar aggregate classification (germline): Uncertain significance (1 of 4 stars; one submission).

Conditions:
Combined immunodeficiency due to CTPS1 deficiency. Also called: Severe combined immunodeficiency due to CTPS1 deficiency; Immunodeficiency 24. Identifiers: Orphanet 420573, MedGen C4014617, MONDO:0014391, OMIM 615897.

Allele frequency attached by ClinVar (database versions not stated): gnomAD exomes below 0.00001; ExAC 0.00001.
gnomAD v4.1: 1 of 1,613,660 alleles (0.000062%); highest among the groups gnomAD compares: Admixed American, 0.0017%; no homozygotes.

Submission:

Labcorp Genetics (formerly Invitae), Labcorp
Classification: Uncertain significance for Combined immunodeficiency due to CTPS1 deficiency. Last evaluated: 2023-10-13. Review status: criteria provided, single submitter. Criteria: Invitae Variant Classification Sherloc (09022015). Collection method: clinical testing. Allele origin: germline.
Comment: This sequence change replaces aspartic acid, which is acidic and polar, with glycine, which is neutral and non-polar, at codon 46 of the CTPS1 protein (p.Asp46Gly). This variant is present in population databases (rs757447163, gnomAD 0.003%). This variant has not been reported in the literature in individuals affected with CTPS1-related conditions. ClinVar contains an entry for this variant (Variation ID: 1481234). An algorithm developed to predict the effect of missense changes on protein structure and function (PolyPhen-2) suggests that this variant is likely to be disruptive. In summary, the available evidence is currently insufficient to determine the role of this variant in disease. Therefore, it has been classified as a Variant of Uncertain Significance.